The following is an entry in ClinVar:

ClinVar aggregate classification (germline): Uncertain significance (1 of 4 stars; one submission).

Allele frequency attached by ClinVar (database versions not stated): gnomAD exomes below 0.00001; gnomAD 0.00001; TOPMed 0.00002.
gnomAD v4.1: 5 of 1,612,798 alleles (0.00031%); highest among the groups gnomAD compares: Admixed American, 0.0084%; no homozygotes.

Submission:

Labcorp Genetics (formerly Invitae), Labcorp
Classification: Uncertain significance. Last evaluated: 2024-08-06. Review status: criteria provided, single submitter. Criteria: Invitae Variant Classification Sherloc (09022015). Collection method: clinical testing. Allele origin: germline.
Comment: This sequence change replaces alanine, which is neutral and non-polar, with serine, which is neutral and polar, at codon 175 of the PRDX1 protein (p.Ala175Ser). This variant is not present in population databases (gnomAD no frequency). This variant has not been reported in the literature in individuals affected with PRDX1-related conditions. ClinVar contains an entry for this variant (Variation ID: 1902458). An algorithm developed to predict the effect of missense changes on protein structure and function (PolyPhen-2) suggests that this variant is likely to be disruptive. In summary, the available evidence is currently insufficient to determine the role of this variant in disease. Therefore, it has been classified as a Variant of Uncertain Significance.

NM_181697.3(PRDX1):c.523G>T (p.Ala175Ser)

Genes: MMACHC (metabolism of cobalamin associated C; plus strand), PRDX1 (peroxiredoxin 1; minus strand). Cytogenetic location: 1p34.1.
Variant type: single nucleotide variant.
Coding change: c.523G>T on transcript NM_181697.3 (MANE Select); coding-DNA position 523, G replaced by T.
Protein change: p.Ala175Ser; replaces alanine 175 with serine.
Molecular consequence: missense variant. On other transcripts: 3 prime UTR variant (2).
Genome position (GRCh38, 1-based): chr1:45,511,406, C>A on the plus strand (G>T on the coding strand, the complement: PRDX1 is on the minus strand). VCF-style: chr1-45511406-C-A. GRCh37 (hg19) VCF-style: chr1-45977078-C-A.
Other names: c.*2191C>A (NM_001330540.2, NM_015506.3); c.523G>T, p.Ala175Ser (NM_001202431.2, NM_002574.4, NM_181696.3); short protein forms A175S.
Identifiers: ClinVar variation 1902458 (VCV001902458.4), dbSNP rs1643741191, ClinGen allele CA340135209.
Genomic context (GRCh38, chr1:45,511,406, plus strand): 5'-AATATTCTTTGCTCTTTTGGACATCAGGCTTGATGGTATCACTGCCAGGTTTCCAGCCAG[C>A]TGGGCACACTGCAAGAGAAAGGCACCACTAATTAATAACCTTCTCAATGGTATGCACCAC-3'
Protein context (NP_859048.1, residues 165-185): FTDKHGEVCP[Ala175Ser]GWKPGSDTIK